The following is an entry in ClinVar:

NM_014141.6(CNTNAP2):c.3598T>A (p.Ser1200Thr)

Gene: CNTNAP2 (contactin associated protein 2; plus strand). Cytogenetic location: 7q36.1.
Variant type: single nucleotide variant.
Coding change: c.3598T>A on transcript NM_014141.6 (MANE Select); coding-DNA position 3598, T replaced by A.
Protein change: p.Ser1200Thr; replaces serine 1200 with threonine.
Molecular consequence: missense variant.
Genome position (GRCh38, 1-based): chr7:148,383,771, T>A. VCF-style: chr7-148383771-T-A. GRCh37 (hg19) VCF-style: chr7-148080863-T-A.
Other names: c.3598T>A (NM_014141.5); short protein forms S1200T.
Identifiers: ClinVar variation 1378722 (VCV001378722.10), dbSNP rs758752276, ClinGen allele CA4546705.
Genomic context (GRCh38, chr7:148,383,771, plus strand): 5'-TCCAGAGTCCAGTTCAACCAGATCGCCCCTCTCAAGGCCGCCTTGAGGCAGACAAACGCC[T>A]CGGCTCACGTCCACATCCAGGGCGAGCTGGTGGAGTCCAACTGCGGGGCCTCGCCGCTGA-3'
Protein context (NP_054860.1, residues 1190-1210): LKAALRQTNA[Ser1200Thr]AHVHIQGELV

ClinVar aggregate classification (germline): Uncertain significance. Review status: criteria provided, multiple submitters, no conflicts (2 of 4 stars). 3 submissions from 3 submitters: Uncertain significance (3). Last evaluated 2023-10-13.

Conditions:
Cortical dysplasia-focal epilepsy syndrome (PTHSL1). Also called: Pitt-Hopkins-like syndrome 1. Identifiers: Orphanet 163681, Orphanet 221150, MedGen C2750246, MONDO:0012400, OMIM 610042.

Allele frequency attached by ClinVar (database versions not stated): gnomAD 0.00001; gnomAD exomes 0.00001; ExAC 0.00002.
gnomAD v4.1: 7 of 1,614,046 alleles (0.00043%); highest among the groups gnomAD compares: Non-Finnish European, 0.00059%; no homozygotes.

Submissions (3):

Labcorp Genetics (formerly Invitae), Labcorp
Classification: Uncertain significance for Cortical dysplasia-focal epilepsy syndrome. Last evaluated: 2023-10-13. Review status: criteria provided, single submitter. Criteria: Invitae Variant Classification Sherloc (09022015). Collection method: clinical testing. Allele origin: germline.
Comment: This sequence change replaces serine, which is neutral and polar, with threonine, which is neutral and polar, at codon 1200 of the CNTNAP2 protein (p.Ser1200Thr). This variant is present in population databases (rs758752276, gnomAD 0.003%). This missense change has been observed in individual(s) with clinical features of CNTNAP2-related conditions (PMID: 33528079). ClinVar contains an entry for this variant (Variation ID: 1378722). An algorithm developed to predict the effect of missense changes on protein structure and function (PolyPhen-2) suggests that this variant is likely to be tolerated. In summary, the available evidence is currently insufficient to determine the role of this variant in disease. Therefore, it has been classified as a Variant of Uncertain Significance.

GeneDx
Classification: Uncertain significance. Last evaluated: 2023-09-07. Review status: criteria provided, single submitter. Criteria: GeneDx Variant Classification Process June 2021. Collection method: clinical testing. Allele origin: germline. Affected: yes.
Comment: Not observed at significant frequency in large population cohorts (gnomAD); Reported in an individual with epilepsy (Atli et al., 2021); In silico analysis supports that this missense variant does not alter protein structure/function; This variant is associated with the following publications: (PMID: 33528079)

Blueprint Genetics
Classification: Uncertain significance. Last evaluated: 2023-01-18. Review status: criteria provided, single submitter. Criteria: ACMG Guidelines, 2015. Collection method: clinical testing. Allele origin: germline.

Literature cited by the submitters: PubMed 33528079 (cited by Labcorp Genetics (formerly Invitae), Labcorp).